The following is an entry in ClinVar:

NM_000256.3(MYBPC3):c.2308+3G>A

Gene: MYBPC3 (myosin binding protein C3; minus strand). Cytogenetic location: 11p11.2.
Variant type: single nucleotide variant.
Coding change: c.2308+3G>A on transcript NM_000256.3 (MANE Select); 3 bases into the intron after coding-DNA position 2308, G replaced by A.
Molecular consequence: intron variant.
Genome position (GRCh38, 1-based): chr11:47,338,517, C>T on the plus strand (G>A on the coding strand, the complement: MYBPC3 is on the minus strand). VCF-style: chr11-47338517-C-T. GRCh37 (hg19) VCF-style: chr11-47360068-C-T.
Identifiers: ClinVar variation 4767784 (VCV004767784.1).

ClinVar aggregate classification (germline): Uncertain significance (1 of 4 stars; one submission).

Conditions:
Hypertrophic cardiomyopathy. Also called: HYPERTROPHIC MYOCARDIOPATHY. Identifiers: Orphanet 217569, MedGen C0007194, MeSH D002312, MONDO:0005045, HP:0001639.

Submission:

Labcorp Genetics (formerly Invitae), Labcorp
Classification: Uncertain significance for Hypertrophic cardiomyopathy. Last evaluated: 2025-10-17. Review status: criteria provided, single submitter. Criteria: Invitae Variant Classification Sherloc (09022015). Collection method: clinical testing. Allele origin: germline.
Comment: This sequence change falls in intron 23 of the MYBPC3 gene. It does not directly change the encoded amino acid sequence of the MYBPC3 protein. It affects a nucleotide within the consensus splice site. This variant is present in population databases (rs746025663, gnomAD 0.0009%). This variant has not been reported in the literature in individuals affected with MYBPC3-related conditions. Variants that disrupt the consensus splice site are a relatively common cause of aberrant splicing (PMID: 17576681, 9536098). Algorithms developed to predict the effect of sequence changes on RNA splicing suggest that this variant is not likely to affect RNA splicing. In summary, the available evidence is currently insufficient to determine the role of this variant in disease. Therefore, it has been classified as a Variant of Uncertain Significance.

Literature cited by the submitters: PubMed 17576681; PubMed 9536098.